The following is an entry in ClinVar:

NM_001211.6(BUB1B):c.2096A>G (p.Lys699Arg)

Gene: BUB1B (BUB1 mitotic checkpoint serine/threonine kinase B; plus strand). Cytogenetic location: 15q15.1.
Variant type: single nucleotide variant.
Coding change: c.2096A>G on transcript NM_001211.6 (MANE Select); coding-DNA position 2096, A replaced by G.
Protein change: p.Lys699Arg; replaces lysine 699 with arginine.
Molecular consequence: missense variant.
Genome position (GRCh38, 1-based): chr15:40,208,723, A>G. VCF-style: chr15-40208723-A-G. GRCh37 (hg19) VCF-style: chr15-40500924-A-G.
Other names: short protein forms K699R.
Identifiers: ClinVar variation 3993684 (VCV003993684.1).
Genomic context (GRCh38, chr15:40,208,723, plus strand): 5'-CCACACACTCCTCTGGCTTCTCTGGTTCTTCTGCCTCGGTTGCAAGCACCTCCTCCATCA[A>G]ATGTCTTCAAATTCCTGAGAAACTAGAACTTACTAATGAGACTTCAGGTAGGATATACAT-3'
Protein context (NP_001202.5, residues 689-709): SASVASTSSI[Lys699Arg]CLQIPEKLEL

ClinVar aggregate classification (germline): Uncertain significance (1 of 4 stars; one submission).

Conditions:
Inborn genetic diseases. Identifiers: MedGen C0950123, MeSH D030342.

gnomAD v4.1: 2 of 1,613,668 alleles (0.00012%); highest among the groups gnomAD compares: Non-Finnish European, 0.00017%; no homozygotes.

Submission:

Ambry Genetics
Classification: Uncertain significance for Inborn genetic diseases. Last evaluated: 2025-03-16. Review status: criteria provided, single submitter. Criteria: Ambry Variant Classification Scheme 2023. Collection method: clinical testing. Allele origin: germline.
Comment: The p.K699R variant (also known as c.2096A>G), located in coding exon 16 of the BUB1B gene, results from an A to G substitution at nucleotide position 2096. The lysine at codon 699 is replaced by arginine, an amino acid with highly similar properties. This amino acid position is conserved. In addition, this alteration is predicted to be tolerated by in silico analysis. Based on the available evidence, the clinical significance of this variant remains unclear.